The following is an entry in ClinVar:

NM_015094.3(HIC2):c.520C>T (p.Arg174Trp)

Gene: HIC2 (HIC ZBTB transcriptional repressor 2; plus strand). Cytogenetic location: 22q11.21.
Variant type: single nucleotide variant.
Coding change: c.520C>T on transcript NM_015094.3 (MANE Select); coding-DNA position 520, C replaced by T.
Protein change: p.Arg174Trp; replaces arginine 174 with tryptophan.
Molecular consequence: missense variant.
Genome position (GRCh38, 1-based): chr22:21,445,415, C>T. VCF-style: chr22-21445415-C-T. GRCh37 (hg19) VCF-style: chr22-21799704-C-T.
Other names: short protein forms R174W.
Identifiers: ClinVar variation 3777993 (VCV003777993.7).

ClinVar aggregate classification (germline): Likely benign (1 of 4 stars; one submission).

gnomAD v4.1: 418 of 1,531,490 alleles (0.027%); highest among the groups gnomAD compares: Middle Eastern, 0.018%; no homozygotes.

Submission:

CeGaT Center for Human Genetics Tuebingen
Classification: Likely benign. Last evaluated: 2025-03-01. Review status: criteria provided, single submitter. Criteria: CeGaT Center For Human Genetics Tuebingen Variant Classification Criteria Version 2. Collection method: clinical testing. Allele origin: germline. Affected: yes. Observed: 1 variant allele.
Comment: HIC2: BS1